The following is an entry in ClinVar:

ClinVar aggregate classification (germline): Conflicting classifications of pathogenicity. Review status: criteria provided, conflicting classifications (1 of 4 stars). 2 submissions from 2 submitters: Uncertain significance (1); Likely benign (1). Last evaluated 2024-03-24.

Conditions:
Rubinstein-Taybi syndrome due to CREBBP mutations (RSTS1). Also called: RUBINSTEIN-TAYBI SYNDROME 1, INCOMPLETE; Rubinstein-Taybi syndrome 1; CREBBP-Related Rubinstein-Taybi Syndrome; RUBINSTEIN SYNDROME; BROAD THUMB-HALLUX SYNDROME; BROAD THUMBS AND GREAT TOES, CHARACTERISTIC FACIES, AND IMPAIRED INTELLECTUAL DEVELOPMENT. Identifiers: Orphanet 353277, Orphanet 783, MedGen C4551859, MONDO:0008393, OMIM 180849.
Rubinstein-Taybi syndrome (RSTS). Identifiers: Orphanet 783, MedGen C0035934, MONDO:0019188.

Allele frequency attached by ClinVar (database versions not stated): gnomAD exomes below 0.00001; TOPMed below 0.00001; gnomAD 0.00001.
gnomAD v4.1: 4 of 1,611,796 alleles (0.00025%); highest among the groups gnomAD compares: African/African-American, 0.0013%; no homozygotes.

Submissions (2):

Labcorp Genetics (formerly Invitae), Labcorp
Classification: Likely benign for Rubinstein-Taybi syndrome. Last evaluated: 2024-03-24. Review status: criteria provided, single submitter. Criteria: Invitae Variant Classification Sherloc (09022015). Collection method: clinical testing. Allele origin: germline.

Centre for Mendelian Genomics, University Medical Centre Ljubljana
Classification: Uncertain significance for Rubinstein-Taybi syndrome due to CREBBP mutations. Last evaluated: 2019-08-20. Review status: criteria provided, single submitter. Criteria: ACMG Guidelines, 2015. Collection method: clinical testing. Allele origin: unknown. Affected: yes.
Comment: This variant was classified as: Uncertain significance. The available evidence on this variant's pathogenicity is insufficient or conflicting. The following ACMG criteria were applied in classifying this variant: PM2,PP3.

NM_004380.3(CREBBP):c.62G>A (p.Gly21Asp)

Genes: CREBBP (CREB binding lysine acetyltransferase; minus strand), LOC130058357 (ATAC-STARR-seq lymphoblastoid silent region 7141; plus strand). Cytogenetic location: 16p13.3.
Variant type: single nucleotide variant.
Coding change: c.62G>A on transcript NM_004380.3 (MANE Select); coding-DNA position 62, G replaced by A.
Protein change: p.Gly21Asp; replaces glycine 21 with aspartic acid.
Molecular consequence: missense variant.
Genome position (GRCh38, 1-based): chr16:3,879,855, C>T on the plus strand (G>A on the coding strand, the complement: CREBBP is on the minus strand). VCF-style: chr16-3879855-C-T. GRCh37 (hg19) VCF-style: chr16-3929856-C-T.
Other names: c.62G>A, p.Gly21Asp (NM_001079846.1); short protein forms G21D.
Identifiers: ClinVar variation 931686 (VCV000931686.6), dbSNP rs1211983012, ClinGen allele CA394567769.